The following is an entry in ClinVar:

ClinVar aggregate classification (germline): Pathogenic (1 of 4 stars; one submission).

Conditions:
46,XY sex reversal 2. Also called: NR0B1-Related 46,XY CGD; NR0B1-related 46,XY complete gonadal dysgenesis; Dosage-sensitive sex reversal; 46,XY SEX REVERSAL, DAX1-RELATED; 46XY sex reversal 2, dosage-sensitive. Identifiers: MedGen C1848296, MONDO:0010226, OMIM 300018.
Congenital adrenal hypoplasia, X-linked (AHC). Also called: Isolated X-Linked Adrenal Hypoplasia Congenita; X-linked AHC; X-Linked Adrenal Hypoplasia Congenita; ADRENAL HYPOPLASIA, CONGENITAL, WITH HYPOGONADOTROPIC HYPOGONADISM. Identifiers: Orphanet 95702, MedGen C0342482, MONDO:0010264, OMIM 300200. Disease mechanism: loss of function.

Submission:

Labcorp Genetics (formerly Invitae), Labcorp
Classification: Pathogenic for Congenital adrenal hypoplasia, X-linked; 46,XY sex reversal 2. Last evaluated: 2024-08-30. Review status: criteria provided, single submitter. Criteria: Invitae Variant Classification Sherloc (09022015). Collection method: clinical testing. Allele origin: germline.
Comment: This sequence change creates a premature translational stop signal (p.Lys367Ilefs*22) in the NR0B1 gene. While this is not anticipated to result in nonsense mediated decay, it is expected to disrupt the last 104 amino acid(s) of the NR0B1 protein. This variant is not present in population databases (gnomAD no frequency). This variant has not been reported in the literature in individuals affected with NR0B1-related conditions. This variant disrupts a region of the NR0B1 protein in which other variant(s) (p.Leu381Pro) have been determined to be pathogenic (PMID: 11113848, 28546232). This suggests that this is a clinically significant region of the protein, and that variants that disrupt it are likely to be disease-causing. For these reasons, this variant has been classified as Pathogenic.

Literature cited by the submitters: PubMed 11113848; PubMed 28546232.

NM_000475.5(NR0B1):c.1099_1100insT (p.Lys367fs)

Gene: NR0B1 (nuclear receptor subfamily 0 group B member 1; minus strand). Cytogenetic location: Xp21.2.
Variant type: Insertion.
Coding change: c.1099_1100insT on transcript NM_000475.5 (MANE Select); coding-DNA positions 1099 to 1100, T inserted.
Protein change: p.Lys367fs; shifts the reading frame from lysine 367.
Molecular consequence: frameshift variant.
Genome position: GRCh38 VCF-style: chrX-30308264-T-TA. GRCh37 (hg19) VCF-style: chrX-30326381-T-TA.
Other names: short protein forms K367fs.
Identifiers: ClinVar variation 3757817 (VCV003757817.2).